The following is an entry in ClinVar:

ClinVar aggregate classification (germline): Benign (1 of 4 stars; one submission).

Allele frequency attached by ClinVar (database versions not stated): 1000 Genomes Project 0.61601; 1000 Genomes Project 30x 0.62258; gnomAD exomes 0.62292; gnomAD 0.67401; TOPMed 0.67500.
gnomAD v4.1: 497,824 of 786,280 alleles (63%); highest among the groups gnomAD compares: African/African-American, 83%; 160,867 homozygotes.

Submission:

Unidad de Genómica Garrahan, Hospital de Pediatría Garrahan
Classification: Benign. Last evaluated: 2024-07-15. Review status: criteria provided, single submitter. Criteria: ACMG Guidelines, 2015. Collection method: clinical testing. Allele origin: germline. Affected: no. Observed: 71 variant alleles.
Comment: This variant is classified as Benign based on local population frequency. This variant was detected in 76% of patients studied in a panel designed for Epileptic and Developmental Encephalopathy and Progressive Myoclonus Epilepsy. Number of patients: 71. Only high quality variants are reported.

NM_001365536.1(SCN9A):c.259-79G>A

Gene: SCN9A (sodium voltage-gated channel alpha subunit 9; minus strand). Cytogenetic location: 2q24.3.
Variant type: single nucleotide variant.
Coding change: c.259-79G>A on transcript NM_001365536.1 (MANE Select); 79 bases into the intron before coding-DNA position 259, G replaced by A.
Molecular consequence: intron variant.
Genome position (GRCh38, 1-based): chr2:166,307,153, C>T on the plus strand (G>A on the coding strand, the complement: SCN9A is on the minus strand). VCF-style: chr2-166307153-C-T. GRCh37 (hg19) VCF-style: chr2-167163663-C-T.
Other names: c.259-79G>A (NM_002977.4).
Identifiers: ClinVar variation 3255239 (VCV003255239.2), dbSNP rs4447616.